The following is an entry in ClinVar:

ClinVar aggregate classification (germline): Benign/Likely benign. Review status: criteria provided, multiple submitters, no conflicts (2 of 4 stars). 8 submissions from 8 submitters: Benign (1); Likely benign (5). 2 of the submissions do not count toward it. Last evaluated 2026-04-01.

Conditions:
MEN1-related disorder. Also called: MEN1-related condition.
Hereditary cancer-predisposing syndrome. Also called: Neoplastic Syndromes, Hereditary; Tumor predisposition; Hereditary Cancer Syndrome; Hereditary neoplastic syndrome. Identifiers: Orphanet 140162, MedGen C0027672, MeSH D009386, MONDO:0015356.
Multiple endocrine neoplasia, type 1 (MEN1). Also called: WERMER SYNDROME; MEA I; Endocrine adenomatosis multiple; MEN 1; MEN I. Identifiers: Orphanet 652, MedGen C0025267, MeSH D018761, MONDO:0007540, OMIM 131100.

Allele frequency attached by ClinVar (database versions not stated): gnomAD exomes 0.00047; ExAC 0.00068; 1000 Genomes Project 30x 0.00094; 1000 Genomes Project 0.00100; gnomAD 0.00149 and 0.00158; TOPMed 0.00153.
gnomAD v4.1: 390 of 675,228 alleles (0.058%); highest among the groups gnomAD compares: African/African-American, 0.69%; 2 homozygotes.

Submissions (8):

CeGaT Center for Human Genetics Tuebingen
Classification: Likely benign. Last evaluated: 2026-04-01. Review status: criteria provided, single submitter. Criteria: CeGaT Center For Human Genetics Tuebingen Variant Classification Criteria Version 2. Collection method: clinical testing. Allele origin: germline. Affected: yes. Observed: 1 variant allele.
Comment: MEN1: BS1

Myriad Genetics, Inc.
Classification: Likely benign for Multiple endocrine neoplasia, type 1. Last evaluated: 2024-08-06. Review status: criteria provided, single submitter. Criteria: Myriad Autosomal Dominant, Autosomal Recessive and X-Linked Classification Criteria (2023). Collection method: clinical testing. Allele origin: unknown.
Comment: This variant is considered likely benign. This variant has been observed at a population frequency that is significantly greater than expected given the associated disease prevalence and penetrance.

Women's Health and Genetics/Laboratory Corporation of America, LabCorp
Classification: Benign. Last evaluated: 2018-09-12. Review status: criteria provided, single submitter. Criteria: LabCorp Variant Classification Summary - May 2015. Collection method: clinical testing. Allele origin: germline.
Comment: Variant summary: MEN1 c.-20G>A is located in the untranslated mRNA region upstream of the initiation codon. The variant allele was found at a frequency of 0.00066 in 145114 control chromosomes, predominantly at a frequency of 0.006 within the African subpopulation in the gnomAD database. The observed variant frequency within African control individuals in the gnomAD database is approximately 288 fold of the estimated maximal expected allele frequency for a pathogenic variant in MEN1 causing Multiple Endocrine Neoplasia Type 1 phenotype (2.1e-05), strongly suggesting that the variant is a benign polymorphism found primarily in populations of African origin. To our knowledge, no occurrence of c.-20G>A in individuals affected with Multiple Endocrine Neoplasia Type 1 and no experimental evidence demonstrating its impact on protein function have been reported. Two clinical diagnostic laboratories have submitted clinical-significance assessments for this variant to ClinVar after 2014 without evidence for independent evaluation. All laboratories classified the variant as benign/likely benign. Based on the evidence outlined above, the variant was classified as benign.

GeneDx
Classification: Likely benign. Last evaluated: 2017-12-01. Review status: criteria provided, single submitter. Criteria: GeneDx Variant Classification (06012015). Collection method: clinical testing. Allele origin: germline. Affected: yes.
Comment: This variant is considered likely benign or benign based on one or more of the following criteria: it is a conservative change, it occurs at a poorly conserved position in the protein, it is predicted to be benign by multiple in silico algorithms, and/or has population frequency not consistent with disease.

Ambry Genetics
Classification: Likely benign for Hereditary cancer-predisposing syndrome. Last evaluated: 2015-06-30. Review status: criteria provided, single submitter. Criteria: Ambry Variant Classification Scheme 2023. Collection method: clinical testing. Allele origin: germline.

Breakthrough Genomics
Classification: Likely benign. Review status: criteria provided, single submitter. Criteria: ACMG Guidelines, 2015. Collection method: not provided. Allele origin: germline. Inheritance: Autosomal dominant inheritance. Affected: yes.

PreventionGenetics, part of Exact Sciences
Classification: Likely benign for MEN1-related condition. Last evaluated: 2019-05-02. Review status: no assertion criteria provided. Collection method: clinical testing. Allele origin: germline. Not counted in ClinVar's aggregate classification.
Comment: This variant is classified as likely benign based on ACMG/AMP sequence variant interpretation guidelines (Richards et al. 2015 PMID: 25741868, with internal and published modifications).

Counsyl
Classification: Likely benign for Multiple endocrine neoplasia, type 1. Last evaluated: 2015-12-01. Review status: no assertion criteria provided. Collection method: clinical testing. Allele origin: unknown. Not counted in ClinVar's aggregate classification.

NM_001370259.2(MEN1):c.-20G>A

Gene: MEN1 (menin 1; minus strand). Cytogenetic location: 11q13.1.
Variant type: single nucleotide variant.
Coding change: c.-20G>A on transcript NM_001370259.2 (MANE Select); 20 bases upstream of the start codon, G replaced by A.
Molecular consequence: 5 prime UTR variant.
Genome position (GRCh38, 1-based): chr11:64,810,129, C>T on the plus strand (G>A on the coding strand, the complement: MEN1 is on the minus strand). VCF-style: chr11-64810129-C-T. GRCh37 (hg19) VCF-style: chr11-64577601-C-T.
Other names: c.-20G>A (NM_000244.4, NM_001370251.2, NM_001370260.2 and 9 more transcripts).
Identifiers: ClinVar variation 36517 (VCV000036517.14), dbSNP rs386134244, ClinGen allele CA009331.